The following is an entry in ClinVar:

NM_001035.3(RYR2):c.14152-16C>G

Gene: RYR2 (ryanodine receptor 2; plus strand). Cytogenetic location: 1q43.
Variant type: single nucleotide variant.
Coding change: c.14152-16C>G on transcript NM_001035.3 (MANE Select); 16 bases into the intron before coding-DNA position 14152, C replaced by G.
Molecular consequence: intron variant.
Genome position (GRCh38, 1-based): chr1:237,806,121, C>G. VCF-style: chr1-237806121-C-G. GRCh37 (hg19) VCF-style: chr1-237969421-C-G.
Other names: c.14152-16C>G (LRG_402t1).
Identifiers: ClinVar variation 380396 (VCV000380396.10), dbSNP rs764414769, ClinGen allele CA085595.

ClinVar aggregate classification (germline): Likely benign. Review status: criteria provided, multiple submitters, no conflicts (2 of 4 stars). 2 submissions from 2 submitters: Likely benign (2). Last evaluated 2025-11-05.

Conditions:
Catecholaminergic polymorphic ventricular tachycardia 1. Also called: RYR2-Related Catecholaminergic Polymorphic Ventricular Tachycardia; VENTRICULAR TACHYCARDIA, STRESS-INDUCED POLYMORPHIC 1; VENTRICULAR TACHYCARDIA, CATECHOLAMINERGIC POLYMORPHIC, 1, WITH OR WITHOUT ATRIAL DYSFUNCTION AND/OR DILATED CARDIOMYOPATHY. Identifiers: Orphanet 3286, MedGen C1631597, MONDO:0011484, OMIM 604772.

Allele frequency attached by ClinVar (database versions not stated): TOPMed 0.00005.
gnomAD v4.1: 42 of 1,610,450 alleles (0.0026%); highest among the groups gnomAD compares: Non-Finnish European, 0.0032%; no homozygotes.

Submissions (2):

Labcorp Genetics (formerly Invitae), Labcorp
Classification: Likely benign for Catecholaminergic polymorphic ventricular tachycardia 1. Last evaluated: 2025-11-05. Review status: criteria provided, single submitter. Criteria: Invitae Variant Classification Sherloc (09022015). Collection method: clinical testing. Allele origin: germline.

GeneDx
Classification: Likely benign. Last evaluated: 2016-01-11. Review status: criteria provided, single submitter. Criteria: GeneDx Variant Classification (06012015). Collection method: clinical testing. Allele origin: germline. Affected: yes.
Comment: This variant is considered likely benign or benign based on one or more of the following criteria: it is a conservative change, it occurs at a poorly conserved position in the protein, it is predicted to be benign by multiple in silico algorithms, and/or has population frequency not consistent with disease.